The following is an entry in ClinVar:

ClinVar aggregate classification (germline): Uncertain significance. Review status: criteria provided, multiple submitters, no conflicts (2 of 4 stars). 2 submissions from 2 submitters: Uncertain significance (2). Last evaluated 2025-05-09.

Conditions:
Bethlem myopathy 1A. Also called: Bethlem Muscular Dystrophy; MYOPATHY, BENIGN CONGENITAL, WITH CONTRACTURES; Bethlem myopathy 1. Identifiers: Orphanet 610, MedGen CN029274, MONDO:0024530, OMIM 158810.

Allele frequency attached by ClinVar (database versions not stated): gnomAD exomes below 0.00001.
gnomAD v4.1: 2 of 1,614,182 alleles (0.00012%); highest among the groups gnomAD compares: Non-Finnish European, 0.00017%; no homozygotes.

Submissions (2):

Women's Health and Genetics/Laboratory Corporation of America, LabCorp
Classification: Uncertain significance. Last evaluated: 2025-05-09. Review status: criteria provided, single submitter. Criteria: LabCorp Variant Classification Summary - May 2015. Collection method: clinical testing. Allele origin: germline.
Comment: Variant summary: COL6A3 c.7386C>G (p.Asp2462Glu) results in a conservative amino acid change in the encoded protein sequence. Algorithms developed to predict the effect of missense changes on protein structure and function are either unavailable or do not agree on the potential impact of this missense change. The variant was absent in 251364 control chromosomes. The available data on variant occurrences in the general population are insufficient to allow any conclusion about variant significance. To our knowledge, no occurrence of c.7386C>G in individuals affected with Ullrich congenital muscular dystrophy 1-AR and no experimental evidence demonstrating its impact on protein function have been reported. ClinVar contains an entry for this variant (Variation ID: 1011135). Based on the evidence outlined above, the variant was classified as uncertain significance.

Labcorp Genetics (formerly Invitae), Labcorp
Classification: Uncertain significance for Bethlem myopathy 1A. Last evaluated: 2021-08-27. Review status: criteria provided, single submitter. Criteria: Invitae Variant Classification Sherloc (09022015). Collection method: clinical testing. Allele origin: germline.

NM_004369.4(COL6A3):c.7386C>G (p.Asp2462Glu)

Gene: COL6A3 (collagen type VI alpha 3 chain; minus strand). Cytogenetic location: 2q37.3.
Variant type: single nucleotide variant.
Coding change: c.7386C>G on transcript NM_004369.4 (MANE Select); coding-DNA position 7386, C replaced by G.
Protein change: p.Asp2462Glu; replaces aspartic acid 2462 with glutamic acid.
Molecular consequence: missense variant.
Genome position (GRCh38, 1-based): chr2:237,344,632, G>C on the plus strand (C>G on the coding strand, the complement: COL6A3 is on the minus strand). VCF-style: chr2-237344632-G-C. GRCh37 (hg19) VCF-style: chr2-238253275-G-C.
Other names: c.5565C>G, p.Asp1855Glu (NM_057166.5); c.6768C>G, p.Asp2256Glu (NM_057167.4); short protein forms D1855E, D2256E, D2462E.
Identifiers: ClinVar variation 1011135 (VCV001011135.5), dbSNP rs2077060526, ClinGen allele CA351203316.
Genomic context (GRCh38, chr2:237,344,632, plus strand): 5'-GGATGTCAGAGCCACCTGAAGGTTCTTAATCTTGTCCAGGAGGACCGACTTCCTCTTGGA[G>C]TCAGCAAACCGGATCTCCGTGGTCACCTCGTTGTTGTAGGTGACCACAGCCACCCGGGCC-3'
Protein context (NP_004360.2, residues 2452-2472): NEVTTEIRFA[Asp2462Glu]SKRKSVLLDK